The following is an entry in ClinVar:

ClinVar aggregate classification (germline): Uncertain significance (1 of 4 stars; one submission).

gnomAD v4.1: 1 of 1,613,986 alleles (0.000062%); highest among the groups gnomAD compares: Non-Finnish European, 0.000085%; no homozygotes.

Submission:

GeneDx
Classification: Uncertain significance. Last evaluated: 2025-02-24. Review status: criteria provided, single submitter. Criteria: GeneDx Variant Classification Process June 2021. Collection method: clinical testing. Allele origin: germline. Affected: yes.
Comment: Not observed at significant frequency in large population cohorts (gnomAD); In silico analysis supports that this missense variant has a deleterious effect on protein structure/function; Has not been previously published as pathogenic or benign to our knowledge

NM_130837.3(OPA1):c.2266A>G (p.Lys756Glu)

Gene: OPA1 (OPA1 mitochondrial dynamin like GTPase; plus strand). Cytogenetic location: 3q29.
Variant type: single nucleotide variant.
Coding change: c.2266A>G on transcript NM_130837.3 (MANE Select); coding-DNA position 2266, A replaced by G.
Protein change: p.Lys756Glu; replaces lysine 756 with glutamic acid.
Molecular consequence: missense variant.
Genome position (GRCh38, 1-based): chr3:193,657,167, A>G. VCF-style: chr3-193657167-A-G. GRCh37 (hg19) VCF-style: chr3-193374956-A-G.
Other names: c.1732A>G, p.Lys578Glu (NM_001354663.2); c.1729A>G, p.Lys577Glu (NM_001354664.2); c.2101A>G, p.Lys701Glu (NM_015560.3); c.1993A>G, p.Lys665Glu (NM_130831.3); c.2047A>G, p.Lys683Glu (NM_130832.3); c.2104A>G, p.Lys702Glu (NM_130833.3); c.2155A>G, p.Lys719Glu (NM_130834.3); c.2158A>G, p.Lys720Glu (NM_130835.3); and 1 more; short protein forms K577E, K578E, K665E, K683E, K701E, K702E, K719E, K720E.
Identifiers: ClinVar variation 4076757 (VCV004076757.1).